The following is an entry in ClinVar:

NM_012431.3(SEMA3E):c.658C>T (p.Arg220Cys)

Gene: SEMA3E (semaphorin 3E; minus strand). Cytogenetic location: 7q21.11.
Variant type: single nucleotide variant.
Coding change: c.658C>T on transcript NM_012431.3 (MANE Select); coding-DNA position 658, C replaced by T.
Protein change: p.Arg220Cys; replaces arginine 220 with cysteine.
Molecular consequence: missense variant.
Genome position (GRCh38, 1-based): chr7:83,408,380, G>A on the plus strand (C>T on the coding strand, the complement: SEMA3E is on the minus strand). VCF-style: chr7-83408380-G-A. GRCh37 (hg19) VCF-style: chr7-83037696-G-A.
Other names: c.478C>T, p.Arg160Cys (NM_001178129.2); c.658C>T (NM_012431.2); short protein forms R160C, R220C.
Identifiers: ClinVar variation 2139717 (VCV002139717.6), dbSNP rs371604308, ClinGen allele CA4322262.
Genomic context (GRCh38, chr7:83,408,380, plus strand): 5'-TAGAGTTGATTTCAATCCTAATTCACATACTCTTTTCCTCATCCTTACCTTTCAACAGAC[G>A]CTCATCGTCATGCTCAGTGCGGATATGGGCCAGTCGCCCCATGCTGCGGAAGATCGCAGC-3'
Protein context (NP_036563.1, residues 210-230): AHIRTEHDDE[Arg220Cys]LLKEPKFVGS

ClinVar aggregate classification (germline): Uncertain significance. Review status: criteria provided, single submitter (1 of 4 stars). 2 submissions from 2 submitters: Uncertain significance (1). 1 of the submissions does not count toward it. Last evaluated 2025-08-11.

Conditions:
SEMA3E-related disorder. Also called: SEMA3E-related condition.
CHARGE syndrome (CHARGE). Also called: Hittner Hirsch Kreh syndrome; CHARGE ASSOCIATION--COLOBOMA, HEART ANOMALY, CHOANAL ATRESIA, RETARDATION, GENITAL AND EAR ANOMALIES; Coloboma, heart anomaly, choanal atresia, retardation, genital and ear anomalies; CHARGE association; Hall-Hittner syndrome. Identifiers: Orphanet 138, MedGen C0265354, MONDO:0008965.

Allele frequency attached by ClinVar (database versions not stated): ExAC 0.00007; ESP Exome Variant Server 0.00008; gnomAD 0.00001; TOPMed 0.00001.
gnomAD v4.1: 46 of 1,613,498 alleles (0.0029%); highest among the groups gnomAD compares: South Asian, 0.035%; 1 homozygote.

Submissions (2):

Labcorp Genetics (formerly Invitae), Labcorp
Classification: Uncertain significance for CHARGE syndrome. Last evaluated: 2025-08-11. Review status: criteria provided, single submitter. Criteria: Invitae Variant Classification Sherloc (09022015). Collection method: clinical testing. Allele origin: germline.
Comment: This sequence change replaces arginine, which is basic and polar, with cysteine, which is neutral and slightly polar, at codon 220 of the SEMA3E protein (p.Arg220Cys). This variant is present in population databases (rs371604308, gnomAD 0.06%). This variant has not been reported in the literature in individuals affected with SEMA3E-related conditions. ClinVar contains an entry for this variant (Variation ID: 2139717). Invitae Evidence Modeling of protein sequence and biophysical properties (such as structural, functional, and spatial information, amino acid conservation, physicochemical variation, residue mobility, and thermodynamic stability) has been performed for this missense variant. However, the output from this modeling did not meet the statistical confidence thresholds required to predict the impact of this variant on SEMA3E protein function. In summary, the available evidence is currently insufficient to determine the role of this variant in disease. Therefore, it has been classified as a Variant of Uncertain Significance.

PreventionGenetics, part of Exact Sciences
Classification: Likely benign for SEMA3E-related condition. Last evaluated: 2022-11-22. Review status: no assertion criteria provided. Collection method: clinical testing. Allele origin: germline. Not counted in ClinVar's aggregate classification.
Comment: This variant is classified as likely benign based on ACMG/AMP sequence variant interpretation guidelines (Richards et al. 2015 PMID: 25741868, with internal and published modifications).